The following is an entry in ClinVar:

ClinVar aggregate classification (germline): Uncertain significance (1 of 4 stars; one submission).

Conditions:
Bardet-Biedl syndrome (BBS). Identifiers: Orphanet 110, MedGen C0752166, MONDO:0015229.

Submission:

Labcorp Genetics (formerly Invitae), Labcorp
Classification: Uncertain significance for Bardet-Biedl syndrome. Last evaluated: 2025-07-28. Review status: criteria provided, single submitter. Criteria: Invitae Variant Classification Sherloc (09022015). Collection method: clinical testing. Allele origin: germline.
Comment: This sequence change falls in intron 6 of the WDPCP gene. It does not directly change the encoded amino acid sequence of the WDPCP protein. It affects a nucleotide within the consensus splice site. This variant is not present in population databases (gnomAD no frequency). This variant has not been reported in the literature in individuals affected with WDPCP-related conditions. ClinVar contains an entry for this variant (Variation ID: 1376937). Variants that disrupt the consensus splice site are a relatively common cause of aberrant splicing (PMID: 17576681, 9536098). Algorithms developed to predict the effect of sequence changes on RNA splicing suggest that this variant is not likely to affect RNA splicing. In summary, the available evidence is currently insufficient to determine the role of this variant in disease. Therefore, it has been classified as a Variant of Uncertain Significance.

Literature cited by the submitters: PubMed 17576681; PubMed 9536098.

NM_015910.7(WDPCP):c.385-3T>C

Gene: WDPCP (WD repeat containing planar cell polarity effector; minus strand). Cytogenetic location: 2p15.
Variant type: single nucleotide variant.
Coding change: c.385-3T>C on transcript NM_015910.7 (MANE Select); 3 bases into the intron before coding-DNA position 385, T replaced by C.
Molecular consequence: intron variant.
Genome position (GRCh38, 1-based): chr2:63,439,874, A>G on the plus strand (T>C on the coding strand, the complement: WDPCP is on the minus strand). VCF-style: chr2-63439874-A-G. GRCh37 (hg19) VCF-style: chr2-63667008-A-G.
Other names: c.313-3T>C (NM_001354044.2); c.385-3T>C (NM_001354045.2).
Identifiers: ClinVar variation 1376937 (VCV001376937.6), dbSNP rs2105522569, ClinGen allele CA2573135077.
Genomic context (GRCh38, chr2:63,439,874, plus strand): 5'-TCTCCAGCTGCGGCCCAGAAAGGCTTAGAGACACCAGCACACCTGAACCAAAAAGGAGCT[A>G]AAACCAGGTAAGTGGGGGAGAGAGGGAGGAAGACATGCTGTGATTTAGAATCTTTAAAAA-3'